The following is an entry in ClinVar:

NM_000071.3(CBS):c.894G>A (p.Gln298=)

Gene: CBS (cystathionine beta-synthase; minus strand). Cytogenetic location: 21q22.3.
Variant type: single nucleotide variant.
Coding change: c.894G>A on transcript NM_000071.3 (MANE Select); coding-DNA position 894, G replaced by A.
Protein change: p.Gln298=; no amino-acid change (glutamine 298 retained).
Molecular consequence: synonymous variant.
Genome position (GRCh38, 1-based): chr21:43,063,013, C>T on the plus strand (G>A on the coding strand, the complement: CBS is on the minus strand). VCF-style: chr21-43063013-C-T. GRCh37 (hg19) VCF-style: chr21-44483123-C-T.
Other names: c.894G>A, p.Gln298= (NM_001178008.3, NM_001178009.3, NM_001320298.2); c.579G>A, p.Gln193= (NM_001321072.1).
Identifiers: ClinVar variation 236939 (VCV000236939.48), dbSNP rs370514077, ClinGen allele CA10583888.

ClinVar aggregate classification (germline): Conflicting classifications of pathogenicity. Review status: criteria provided, conflicting classifications (1 of 4 stars). 8 submissions from 8 submitters: Uncertain significance (1); Likely benign (6). 1 of the submissions does not count toward it. Last evaluated 2026-01-26.

Conditions:
Familial thoracic aortic aneurysm and aortic dissection (TAAD). Also called: Thoracic aortic aneurysms and dissections. Identifiers: Orphanet 91387, MedGen C4707243, MONDO:0019625.
Classic homocystinuria. Also called: HOMOCYSTINURIA WITH OR WITHOUT RESPONSE TO PYRIDOXINE; Homocystinuria due to Cystathionine Beta-Synthase Deficiency; Homocystinuria due to CBS deficiency; Cystathionine beta-synthase deficiency; CBS deficiency. Identifiers: Orphanet 394, MedGen C0751202, MONDO:0009352, OMIM 236200.
HYPERHOMOCYSTEINEMIA, THROMBOTIC, CBS-RELATED. Identifiers: MedGen C3150344, OMIM 236200.

Allele frequency attached by ClinVar (database versions not stated): ESP Exome Variant Server 0.00008; gnomAD 0.00010; gnomAD exomes 0.00012; ExAC 0.00018.

Submissions (8):

Labcorp Genetics (formerly Invitae), Labcorp
Classification: Likely benign for HYPERHOMOCYSTEINEMIA, THROMBOTIC, CBS-RELATED. Last evaluated: 2026-01-26. Review status: criteria provided, single submitter. Criteria: Invitae Variant Classification Sherloc (09022015). Collection method: clinical testing. Allele origin: germline.

Women's Health and Genetics/Laboratory Corporation of America, LabCorp
Classification: Likely benign. Last evaluated: 2025-07-03. Review status: criteria provided, single submitter. Criteria: LabCorp Variant Classification Summary - May 2015. Collection method: clinical testing. Allele origin: germline.

Blueprint Genetics
Classification: Likely benign. Last evaluated: 2024-11-08. Review status: criteria provided, single submitter. Criteria: ACMG Guidelines, 2015. Collection method: clinical testing. Allele origin: germline.

CeGaT Center for Human Genetics Tuebingen
Classification: Likely benign. Last evaluated: 2023-05-01. Review status: criteria provided, single submitter. Criteria: CeGaT Center For Human Genetics Tuebingen Variant Classification Criteria Version 2. Collection method: clinical testing. Allele origin: germline. Affected: yes. Observed: 1 variant allele.
Comment: CBS: BP4, BP7

GeneDx
Classification: Likely benign. Last evaluated: 2021-06-14. Review status: criteria provided, single submitter. Criteria: GeneDx Variant Classification Process June 2021. Collection method: clinical testing. Allele origin: germline. Affected: yes.

Illumina Laboratory Services, Illumina
Classification: Uncertain significance for Classic homocystinuria. Last evaluated: 2018-01-12. Review status: criteria provided, single submitter. Criteria: ICSL Variant Classification Criteria 13 December 2019. Collection method: clinical testing. Allele origin: germline.

Ambry Genetics
Classification: Likely benign for Familial thoracic aortic aneurysm and aortic dissection. Last evaluated: 2016-03-16. Review status: criteria provided, single submitter. Criteria: Ambry Variant Classification Scheme 2023. Collection method: clinical testing. Allele origin: germline.

Natera, Inc.
Classification: Likely benign for Homocystinuria due to cystathionine beta-synthase deficiency. Last evaluated: 2020-01-03. Review status: no assertion criteria provided. Collection method: clinical testing. Allele origin: germline. Not counted in ClinVar's aggregate classification.